The following is an entry in ClinVar:

ClinVar aggregate classification (germline): Uncertain significance. Review status: criteria provided, multiple submitters, no conflicts (2 of 4 stars). 2 submissions from 2 submitters: Uncertain significance (2). Last evaluated 2025-12-13.

Conditions:
Inborn genetic diseases. Identifiers: MedGen C0950123, MeSH D030342.
Sulfite oxidase deficiency due to molybdenum cofactor deficiency type A. Also called: Molybdenum cofactor deficiency, complementation group A; Molybdenum Cofactor Deficiency A. Identifiers: Orphanet 308386, Orphanet 833, MedGen C1854988, MONDO:0009643, OMIM 252150.

Submissions (2):

Labcorp Genetics (formerly Invitae), Labcorp
Classification: Uncertain significance for Sulfite oxidase deficiency due to molybdenum cofactor deficiency type A. Last evaluated: 2025-12-13. Review status: criteria provided, single submitter. Criteria: Invitae Variant Classification Sherloc (09022015). Collection method: clinical testing. Allele origin: germline.
Comment: This sequence change replaces proline, which is neutral and non-polar, with serine, which is neutral and polar, at codon 56 of the MOCS1 protein (p.Pro56Ser). This variant is not present in population databases (gnomAD no frequency). This variant has not been reported in the literature in individuals affected with MOCS1-related conditions. ClinVar contains an entry for this variant (Variation ID: 1387269). An algorithm developed to predict the effect of missense changes on protein structure and function (PolyPhen-2) suggests that this variant is likely to be disruptive. In summary, the available evidence is currently insufficient to determine the role of this variant in disease. Therefore, it has been classified as a Variant of Uncertain Significance.

Ambry Genetics
Classification: Uncertain significance for Inborn genetic diseases. Last evaluated: 2025-10-18. Review status: criteria provided, single submitter. Criteria: Ambry Variant Classification Scheme 2023. Collection method: clinical testing. Allele origin: germline.

NM_001358530.2(MOCS1):c.166C>T (p.Pro56Ser)

Gene: MOCS1 (molybdenum cofactor synthesis 1; minus strand). Cytogenetic location: 6p21.2.
Variant type: single nucleotide variant.
Coding change: c.166C>T on transcript NM_001358530.2 (MANE Select); coding-DNA position 166, C replaced by T.
Protein change: p.Pro56Ser; replaces proline 56 with serine.
Molecular consequence: missense variant. On other transcripts: 5 prime UTR variant (1), intron variant (2).
Genome position (GRCh38, 1-based): chr6:39,927,413, G>A on the plus strand (C>T on the coding strand, the complement: MOCS1 is on the minus strand). VCF-style: chr6-39927413-G-A. GRCh37 (hg19) VCF-style: chr6-39895152-G-A.
Other names: c.166C>T, p.Pro56Ser (NM_001075098.4, NM_001358529.2, NM_005943.6); c.-96C>T (NM_001358534.2); c.-11-1568C>T (NM_001358531.2, NM_001358533.2); c.166C>T (NM_005943.5); short protein forms P56S.
Identifiers: ClinVar variation 1387269 (VCV001387269.5), dbSNP rs1768383623, ClinGen allele CA364045126.
Genomic context (GRCh38, chr6:39,927,413, plus strand): 5'-GGGAGATCCGCAGGTAGCTGTGCTGCCGGCCGAAGCTGTCTGTGAGGAAGGCGGAGAAGG[G>A]GGCCGCATGCTCCCGCAGGAACTGCCTCCGCCTGGACACCTCCTGCGAGGACAGACCAGG-3'
Protein context (NP_001345459.1, residues 46-66): RRQFLREHAA[Pro56Ser]FSAFLTDSFG